The following is an entry in ClinVar:

ClinVar aggregate classification (germline): Conflicting classifications of pathogenicity. Review status: criteria provided, conflicting classifications (1 of 4 stars). 3 submissions from 3 submitters: Likely pathogenic (1); Uncertain significance (2). Last evaluated 2021-07-15.

Conditions:
Cornelia de Lange syndrome 1 (CDLS1). Also called: Brachmann de Lange syndrome; NIPBL-Related Cornelia de Lange Syndrome; TYPUS DEGENERATIVUS AMSTELODAMENSIS. Identifiers: Orphanet 199, MedGen C4551851, MONDO:0007387, OMIM 122470.

Submissions (3):

Genome-Nilou Lab
Classification: Uncertain significance for Cornelia de Lange syndrome 1. Last evaluated: 2021-07-15. Review status: criteria provided, single submitter. Criteria: ACMG Guidelines, 2015. Collection method: clinical testing. Allele origin: germline. Affected: no.

Labcorp Genetics (formerly Invitae), Labcorp
Classification: Uncertain significance for Cornelia de Lange syndrome 1. Last evaluated: 2018-01-07. Review status: criteria provided, single submitter. Criteria: Invitae Variant Classification Sherloc (09022015). Collection method: clinical testing. Allele origin: germline.
Comment: In summary, the available evidence is currently insufficient to determine the role of this variant in disease. Therefore, it has been classified as a Variant of Uncertain Significance. Algorithms developed to predict the effect of missense changes on protein structure and function do not agree on the potential impact of this missense change (SIFT: "Deleterious"; PolyPhen-2: "Benign"; Align-GVGD: "Class C0"). This variant has not been reported in the literature in individuals with NIPBL-related disease. ClinVar contains an entry for this variant (Variation ID: 159116). This variant is not present in population databases (ExAC no frequency). This sequence change replaces methionine with arginine at codon 1480 of the NIPBL protein (p.Met1480Arg). The methionine residue is moderately conserved and there is a moderate physicochemical difference between methionine and arginine.

Genetic Services Laboratory, University of Chicago
Classification: Likely pathogenic for Cornelia de Lange syndrome 1. Last evaluated: 2013-02-08. Review status: criteria provided, single submitter. Criteria: ACMG Guidelines, 2007. Collection method: clinical testing. Allele origin: germline. Inheritance: Autosomal dominant inheritance. Affected: yes.

NM_133433.4(NIPBL):c.4439T>G (p.Met1480Arg)

Gene: NIPBL (NIPBL cohesin loading factor; plus strand). Cytogenetic location: 5p13.2.
Variant type: single nucleotide variant.
Coding change: c.4439T>G on transcript NM_133433.4 (MANE Select); coding-DNA position 4439, T replaced by G.
Protein change: p.Met1480Arg; replaces methionine 1480 with arginine.
Molecular consequence: missense variant.
Genome position (GRCh38, 1-based): chr5:37,010,104, T>G. VCF-style: chr5-37010104-T-G. GRCh37 (hg19) VCF-style: chr5-37010206-T-G.
Other names: c.4439T>G, p.Met1480Arg (NM_015384.5); short protein forms M1480R.
Identifiers: ClinVar variation 159116 (VCV000159116.15), dbSNP rs587783948, ClinGen allele CA272110.